The following is an entry in ClinVar:

ClinVar aggregate classification (germline): Uncertain significance (1 of 4 stars; one submission).

Allele frequency attached by ClinVar (database versions not stated): gnomAD exomes 0.00001.
gnomAD v4.1: 6 of 1,614,060 alleles (0.00037%); highest among the groups gnomAD compares: African/African-American, 0.0013%; no homozygotes.

Submission:

Labcorp Genetics (formerly Invitae), Labcorp
Classification: Uncertain significance. Last evaluated: 2022-05-29. Review status: criteria provided, single submitter. Criteria: Invitae Variant Classification Sherloc (09022015). Collection method: clinical testing. Allele origin: germline.
Comment: This sequence change replaces alanine, which is neutral and non-polar, with serine, which is neutral and polar, at codon 460 of the ERCC3 protein (p.Ala460Ser). This variant is not present in population databases (gnomAD no frequency). This variant has not been reported in the literature in individuals affected with ERCC3-related conditions. ClinVar contains an entry for this variant (Variation ID: 1381851). Algorithms developed to predict the effect of missense changes on protein structure and function (SIFT, PolyPhen-2, Align-GVGD) all suggest that this variant is likely to be tolerated. In summary, the available evidence is currently insufficient to determine the role of this variant in disease. Therefore, it has been classified as a Variant of Uncertain Significance.

NM_000122.2(ERCC3):c.1378G>T (p.Ala460Ser)

Gene: ERCC3 (ERCC excision repair 3, TFIIH core complex helicase subunit; minus strand). Cytogenetic location: 2q14.3.
Variant type: single nucleotide variant.
Coding change: c.1378G>T on transcript NM_000122.2 (MANE Select); coding-DNA position 1378, G replaced by T.
Protein change: p.Ala460Ser; replaces alanine 460 with serine.
Molecular consequence: missense variant.
Genome position (GRCh38, 1-based): chr2:127,280,596, C>A on the plus strand (G>T on the coding strand, the complement: ERCC3 is on the minus strand). VCF-style: chr2-127280596-C-A. GRCh37 (hg19) VCF-style: chr2-128038172-C-A.
Other names: c.1186G>T, p.Ala396Ser (NM_001303416.2, NM_001303418.2); short protein forms A396S, A460S.
Identifiers: ClinVar variation 1381851 (VCV001381851.5), dbSNP rs1413024779, ClinGen allele CA348389388.